The following is an entry in ClinVar:

NM_007294.4(BRCA1):c.4364T>C (p.Leu1455Ser)

Gene: BRCA1 (BRCA1 DNA repair associated; minus strand). Cytogenetic location: 17q21.31.
Variant type: single nucleotide variant.
Coding change: c.4364T>C on transcript NM_007294.4 (MANE Select); coding-DNA position 4364, T replaced by C.
Protein change: p.Leu1455Ser; replaces leucine 1455 with serine.
Molecular consequence: missense variant. On other transcripts: intron variant (3).
Genome position (GRCh38, 1-based): chr17:43,076,608, A>G on the plus strand (T>C on the coding strand, the complement: BRCA1 is on the minus strand). VCF-style: chr17-43076608-A-G. GRCh37 (hg19) VCF-style: chr17-41228625-A-G.
Other names: c.1046T>C, p.Leu349Ser (NM_001408407.1, NM_001408408.1, NM_001408406.1); c.1043T>C, p.Leu348Ser (NM_001408409.1); c.980T>C, p.Leu327Ser (NM_001408410.1); c.977T>C, p.Leu326Ser (NM_001408411.1); c.974T>C, p.Leu325Ser (NM_001408412.1, NM_001408413.1, NM_001408414.1 and 2 more transcripts); c.938T>C, p.Leu313Ser (NM_001408418.1, NM_001408419.1, NM_001408420.1); c.935T>C, p.Leu312Ser (NM_001408421.1, NM_001408422.1, NM_001408423.1 and 1 more transcripts); c.932T>C, p.Leu311Ser (NM_001408425.1, NM_001408426.1, NM_001408427.1 and 4 more transcripts); and 71 more; short protein forms L1159S, L1326S, L1328S, L1343S, L1365S, L1158S, L1342S, L1366S.
Identifiers: ClinVar variation 2585837 (VCV002585837.2), dbSNP rs886040227, ClinGen allele CA10592811.

ClinVar aggregate classification (germline): Uncertain significance (1 of 4 stars; one submission).

Conditions:
Hereditary cancer-predisposing syndrome. Also called: Hereditary neoplastic syndrome; Tumor predisposition; Hereditary Cancer Syndrome; Neoplastic Syndromes, Hereditary. Identifiers: Orphanet 140162, MedGen C0027672, MeSH D009386, MONDO:0015356.

Submission:

Ambry Genetics
Classification: Uncertain significance for Hereditary cancer-predisposing syndrome. Last evaluated: 2023-08-22. Review status: criteria provided, single submitter. Criteria: Ambry Variant Classification Scheme 2023. Collection method: clinical testing. Allele origin: germline.
Comment: The p.L1455S variant (also known as c.4364T>C), located in coding exon 12 of the BRCA1 gene, results from a T to C substitution at nucleotide position 4364. The leucine at codon 1455 is replaced by serine, an amino acid with dissimilar properties. This amino acid position is highly conserved in available vertebrate species. In addition, this alteration is predicted to be tolerated by in silico analysis. Since supporting evidence is limited at this time, the clinical significance of this alteration remains unclear.